The following is an entry in ClinVar:

ClinVar aggregate classification (germline): Uncertain significance (1 of 4 stars; one submission).

Conditions:
Developmental and epileptic encephalopathy, 36 (DEE36). Also called: ALG13-CDG; Epileptic encephalopathy, early infantile, 36; Congenital disorder of glycosylation, type Is. Identifiers: Orphanet 324422, MedGen C4317295, MONDO:0010472, OMIM 300884.

Allele frequency attached by ClinVar (database versions not stated): gnomAD exomes below 0.00001; TOPMed below 0.00001.
gnomAD v4.1: 2 of 1,211,502 alleles (0.00017%); highest among the groups gnomAD compares: Non-Finnish European, 0.00011%; no homozygotes.

Submission:

Labcorp Genetics (formerly Invitae), Labcorp
Classification: Uncertain significance for Developmental and epileptic encephalopathy, 36. Last evaluated: 2018-12-24. Review status: criteria provided, single submitter. Criteria: Invitae Variant Classification Sherloc (09022015). Collection method: clinical testing. Allele origin: germline.
Comment: This sequence change replaces serine with leucine at codon 221 of the ALG13 protein (p.Ser221Leu). The serine residue is weakly conserved and there is a large physicochemical difference between serine and leucine. This variant is not present in population databases (ExAC no frequency). This variant has not been reported in the literature in individuals with ALG13-related conditions. Algorithms developed to predict the effect of missense changes on protein structure and function are either unavailable or do not agree on the potential impact of this missense change (SIFT: "Deleterious"; PolyPhen-2: "Benign"; Align-GVGD: "Class C0"). In summary, the available evidence is currently insufficient to determine the role of this variant in disease. Therefore, it has been classified as a Variant of Uncertain Significance.

NM_001099922.3(ALG13):c.662C>T (p.Ser221Leu)

Gene: ALG13 (ALG13 UDP-N-acetylglucosaminyltransferase subunit; plus strand). Cytogenetic location: Xq23.
Variant type: single nucleotide variant.
Coding change: c.662C>T on transcript NM_001099922.3 (MANE Select); coding-DNA position 662, C replaced by T.
Protein change: p.Ser221Leu; replaces serine 221 with leucine.
Molecular consequence: missense variant. On other transcripts: non-coding transcript variant (1).
Genome position (GRCh38, 1-based): chrX:111,708,305, C>T. VCF-style: chrX-111708305-C-T. GRCh37 (hg19) VCF-style: chrX-110951533-C-T.
Other names: c.350C>T, p.Ser117Leu (NM_001257230.2, NM_001257234.2, NM_001257237.2 and 1 more transcripts); c.428C>T, p.Ser143Leu (NM_001257231.2); c.662C>T, p.Ser221Leu (NM_001324292.2); short protein forms S143L, S221L, S117L.
Identifiers: ClinVar variation 640493 (VCV000640493.9), dbSNP rs1602636547, ClinGen allele CA414249796.